The following is an entry in ClinVar:

ClinVar aggregate classification (germline): Uncertain significance. Review status: criteria provided, multiple submitters, no conflicts (2 of 4 stars). 2 submissions from 2 submitters: Uncertain significance (2). Last evaluated 2026-01-12.

Conditions:
JMJD1C-related disorder. Also called: JMJD1C-related condition.
Early Myoclonic Encephalopathy. Identifiers: MedGen C0270855.

Submissions (2):

Labcorp Genetics (formerly Invitae), Labcorp
Classification: Uncertain significance for Early Myoclonic Encephalopathy. Last evaluated: 2026-01-12. Review status: criteria provided, single submitter. Criteria: Invitae Variant Classification Sherloc (09022015). Collection method: clinical testing. Allele origin: germline.
Comment: This variant, c.3707_3708delinsATTTACCA, is a complex sequence change that results in the deletion of 1 and insertion of 3 amino acid(s) in the JMJD1C protein (p.Met1236delinsAsnLeuPro). This variant is not present in population databases (gnomAD no frequency). This variant has not been reported in the literature in individuals affected with JMJD1C-related conditions. Experimental studies and prediction algorithms are not available or were not evaluated, and the functional significance of this variant is currently unknown. In summary, the available evidence is currently insufficient to determine the role of this variant in disease. Therefore, it has been classified as a Variant of Uncertain Significance.

PreventionGenetics, part of Exact Sciences
Classification: Uncertain significance for JMJD1C-related condition. Last evaluated: 2025-04-24. Review status: criteria provided, single submitter. Criteria: ACMG Guidelines, 2015. Collection method: clinical testing. Allele origin: germline.
Comment: The JMJD1C c.3707_3708delinsATTTACCA variant is predicted to result in an in-frame deletion and insertion. To our knowledge, this variant has not been reported in the literature or in a large population database (gnomAD), indicating this variant is rare. At this time, the clinical significance of this variant is uncertain due to the absence of conclusive functional and genetic evidence.

NM_032776.3(JMJD1C):c.3707_3708delinsATTTACCA (p.Met1236delinsAsnLeuPro)

Gene: JMJD1C (jumonji domain containing 1C; minus strand). Cytogenetic location: 10q21.3.
Variant type: Indel.
Coding change: c.3707_3708delinsATTTACCA on transcript NM_032776.3 (MANE Select); coding-DNA positions 3707 to 3708, TG replaced by ATTTACCA.
Protein change: p.Met1236delinsAsnLeuPro.
Molecular consequence: inframe indel. On other transcripts: non-coding transcript variant (1).
Genome position (GRCh38, 1-based): chr10:63,207,961-63,207,962, CA replaced by TGGTAAAT on the plus strand (TG replaced by ATTTACCA on the coding strand, the reverse complement: JMJD1C is on the minus strand). VCF-style: chr10-63207961-CA-TGGTAAAT. GRCh37 (hg19) VCF-style: chr10-64967721-CA-TGGTAAAT.
Other names: c.3707_3708delinsATTTACCA (NM_032776.2); c.3161_3162delinsATTTACCA, p.Met1054delinsAsnLeuPro (NM_001282948.2, NM_001318154.2); c.2843_2844delinsATTTACCA, p.Met948delinsAsnLeuPro (NM_001318153.2); c.3593_3594delinsATTTACCA, p.Met1198delinsAsnLeuPro (NM_001322252.2); c.3050_3051delinsATTTACCA, p.Met1017delinsAsnLeuPro (NM_001322254.2, NM_001322258.2).
Identifiers: ClinVar variation 1907294 (VCV001907294.6), dbSNP rs2492686237, ClinGen allele CA2580081707.